The following is an entry in ClinVar:

NM_007294.4(BRCA1):c.3384_3391del (p.Leu1128_Ile1129insTer)

Genes: BRCA1 (BRCA1 DNA repair associated; minus strand), LOC126862571 (BRD4-independent group 4 enhancer GRCh37_chr17:41243136-41244335; plus strand). Cytogenetic location: 17q21.31.
Variant type: Deletion.
Coding change: c.3384_3391del on transcript NM_007294.4 (MANE Select); coding-DNA positions 3384 to 3391, 8 bases deleted (GATTTCAG; older notation c.3384_3391delGATTTCAG).
Protein change: p.Leu1128_Ile1129insTer.
Molecular consequence: frameshift variant. On other transcripts: intron variant (135), splice acceptor variant (2).
Genome position (GRCh38, 1-based): chr17:43,092,140-43,092,147, CTGAAATC deleted on the plus strand (GATTTCAG on the coding strand, the reverse complement: BRCA1 is on the minus strand). VCF-style (leftmost placement, unchanged base first): chr17-43092139-TCTGAAATC-T. GRCh37 (hg19) VCF-style: chr17-41244156-TCTGAAATC-T.
Other names: 3503del8; c.3171_3178del, p.Leu1057_Ile1058insTer (NM_001407571.1, NM_001407853.1, NM_001407894.1 and 9 more transcripts); c.3384_3391del, p.Leu1128_Ile1129insTer (NM_001407581.1, NM_001407582.1, NM_001407583.1 and 30 more transcripts); c.3381_3388del, p.Leu1127_Ile1128insTer (NM_001407587.1, NM_001407590.1, NM_001407591.1 and 22 more transcripts); c.3375_3382del, p.Leu1125_Ile1126insTer (NM_001407646.1, NM_001407647.1); c.3261_3268del, p.Leu1087_Ile1088insTer (NM_001407648.1, NM_001407664.1, NM_001407665.1 and 19 more transcripts); c.3258_3265del, p.Leu1086_Ile1087insTer (NM_001407649.1, NM_001407670.1, NM_001407671.1 and 11 more transcripts); c.3306_3313del, p.Leu1102_Ile1103insTer (NM_001407653.1, NM_001407654.1, NM_001407655.1 and 4 more transcripts); and 42 more.
Identifiers: ClinVar variation 266363 (VCV000266363.7), dbSNP rs886040122, ClinGen allele CA10589758.

ClinVar aggregate classification (germline): Pathogenic. Review status: reviewed by expert panel (3 of 4 stars). 3 submissions from 3 submitters: Pathogenic (1). 2 of the submissions do not count toward it. Last evaluated 2016-10-18.

Conditions:
Hereditary cancer-predisposing syndrome. Also called: Neoplastic Syndromes, Hereditary; Hereditary neoplastic syndrome; Tumor predisposition; Hereditary Cancer Syndrome. Identifiers: Orphanet 140162, MedGen C0027672, MeSH D009386, MONDO:0015356.
Breast-ovarian cancer, familial, susceptibility to, 1 (BROVCA1). Also called: OVARIAN CANCER, SUSCEPTIBILITY TO; BRCA1 Hereditary Breast and Ovarian Cancer. Identifiers: Orphanet 145, MedGen C2676676, MONDO:0011450, OMIM 604370. Disease mechanism: loss of function.

Submissions (3):

Evidence-based Network for the Interpretation of Germline Mutant Alleles (ENIGMA)
Classification: Pathogenic for Breast-ovarian cancer, familial, susceptibility to, 1. Last evaluated: 2016-10-18. Review status: reviewed by expert panel. Criteria: ENIGMA BRCA1/2 Classification Criteria (2015). Collection method: curation. Allele origin: germline.
Comment: Variant allele predicted to encode a truncated non-functional protein.

Ambry Genetics
Classification: Pathogenic for Hereditary cancer-predisposing syndrome. Last evaluated: 2024-08-05. Review status: criteria provided, single submitter. Criteria: Ambry Variant Classification Scheme 2023. Collection method: clinical testing. Allele origin: germline. Not counted in ClinVar's aggregate classification.
Comment: The c.3384_3391delGATTTCAG pathogenic mutation, located in coding exon 9 of the BRCA1 gene, results from a deletion of 8 nucleotides at nucleotide positions 3384 to 3391, causing a translational frameshift with a predicted alternate stop codon (p.I1129*). This variant is considered to be rare based on population cohorts in the Genome Aggregation Database (gnomAD). This alteration is expected to result in loss of function by premature protein truncation or nonsense-mediated mRNA decay. As such, this alteration is interpreted as a disease-causing mutation.

Consortium of Investigators of Modifiers of BRCA1/2 (CIMBA), c/o University of Cambridge
Classification: Pathogenic for Breast-ovarian cancer, familial, susceptibility to, 1. Last evaluated: 2015-10-02. Review status: criteria provided, single submitter. Criteria: CIMBA Mutation Classification guidelines May 2016. Collection method: clinical testing. Allele origin: germline. Not counted in ClinVar's aggregate classification.